The following is an entry in ClinVar:

ClinVar aggregate classification (germline): Uncertain significance (1 of 4 stars; one submission).

Conditions:
Nemaline myopathy 9 (NEM9). Identifiers: MedGen C3810384, MONDO:0014326, OMIM 615731.

gnomAD v4.1: 2 of 1,614,184 alleles (0.00012%); highest among the groups gnomAD compares: Non-Finnish European, 0.00017%; no homozygotes.

Submission:

Labcorp Genetics (formerly Invitae), Labcorp
Classification: Uncertain significance for Nemaline myopathy 9. Last evaluated: 2024-04-06. Review status: criteria provided, single submitter. Criteria: Invitae Variant Classification Sherloc (09022015). Collection method: clinical testing. Allele origin: germline.
Comment: This sequence change replaces asparagine, which is neutral and polar, with serine, which is neutral and polar, at codon 269 of the KLHL41 protein (p.Asn269Ser). This variant is not present in population databases (gnomAD no frequency). This variant has not been reported in the literature in individuals affected with KLHL41-related conditions. Advanced modeling of protein sequence and biophysical properties (such as structural, functional, and spatial information, amino acid conservation, physicochemical variation, residue mobility, and thermodynamic stability) performed at Invitae indicates that this missense variant is not expected to disrupt KLHL41 protein function with a negative predictive value of 80%. In summary, the available evidence is currently insufficient to determine the role of this variant in disease. Therefore, it has been classified as a Variant of Uncertain Significance.

NM_006063.3(KLHL41):c.806A>G (p.Asn269Ser)

Gene: KLHL41 (kelch like family member 41; plus strand). Cytogenetic location: 2q31.1.
Variant type: single nucleotide variant.
Coding change: c.806A>G on transcript NM_006063.3 (MANE Select); coding-DNA position 806, A replaced by G.
Protein change: p.Asn269Ser; replaces asparagine 269 with serine.
Molecular consequence: missense variant.
Genome position (GRCh38, 1-based): chr2:169,510,584, A>G. VCF-style: chr2-169510584-A-G. GRCh37 (hg19) VCF-style: chr2-170367094-A-G.
Other names: short protein forms N269S.
Identifiers: ClinVar variation 3718944 (VCV003718944.2).